The following is an entry in ClinVar:

ClinVar aggregate classification (germline): Pathogenic. Review status: criteria provided, multiple submitters, no conflicts (2 of 4 stars). 3 submissions from 3 submitters: Pathogenic (2). 1 of the submissions does not count toward it. Last evaluated 2024-10-14.

Conditions:
Hereditary spastic paraplegia 15 (SPG15). Also called: SPASTIC PARAPLEGIA AND RETINAL DEGENERATION; KJELLIN SYNDROME; SPASTIC PARAPLEGIA 15, AUTOSOMAL RECESSIVE. Identifiers: Orphanet 100996, MedGen C1849128, MONDO:0010044, OMIM 270700.
Intellectual disability. Also called: Intellectual functioning disability; intellectual disabilities; Intellectual developmental disorder. Identifiers: MedGen C3714756, MeSH D008607, MONDO:0001071, HP:0001249.
Atypical behavior. Also called: Behavioral disorders; Behavioral abnormality. Identifiers: MedGen C0004941, HP:0000708.
Spastic paraplegia. Identifiers: MedGen C0037772, HP:0001258.

Allele frequency attached by ClinVar (database versions not stated): gnomAD 0.00002; TOPMed below 0.00001.
gnomAD v4.1: 20 of 1,614,050 alleles (0.0012%); highest among the groups gnomAD compares: Admixed American, 0.0017%; no homozygotes.

Submissions (3):

Labcorp Genetics (formerly Invitae), Labcorp
Classification: Pathogenic for Spastic paraplegia. Last evaluated: 2024-10-14. Review status: criteria provided, single submitter. Criteria: Invitae Variant Classification Sherloc (09022015). Collection method: clinical testing. Allele origin: germline.
Comment: This sequence change creates a premature translational stop signal (p.Arg1602*) in the ZFYVE26 gene. It is expected to result in an absent or disrupted protein product. Loss-of-function variants in ZFYVE26 are known to be pathogenic (PMID: 18394578, 19805727). This variant is present in population databases (rs558285072, gnomAD 0.008%). This premature translational stop signal has been observed in individuals with spastic paraplegia (PMID: 27544497; internal data). ClinVar contains an entry for this variant (Variation ID: 550774). Algorithms developed to predict the effect of sequence changes on RNA splicing suggest that this variant may disrupt the consensus splice site. For these reasons, this variant has been classified as Pathogenic.

Dasa
Classification: Pathogenic for Spastic paraplegia; Intellectual disability; Atypical behavior. Last evaluated: 2021-09-02. Review status: criteria provided, single submitter. Criteria: ACMG Guidelines, 2015. Collection method: clinical testing. Allele origin: germline. Affected: yes. Observed: 1 variant allele.
Comment: This sequence change creates a premature translational stop signal c.4804C>T;p.(Arg1602*) in the ZFYVE26 gene. It is expected to result in an absent or disrupted protein product. This variant is present in population databases (rs558285072, gnomAD 0.002%; ABraOM no frequency - abraom.ib.usp.br). This variant has been observed in individuals affected with spastic paraplegia (PMID: 27544497, Invitae). ClinVar contains an entry for this variant (Variation ID: 550774). Loss-of-function variants in ZFYVE26 are known to be pathogenic (PMID: 18394578, 19805727). For these reasons, this variant has been classified as Pathogenic.

Counsyl
Classification: Likely pathogenic for Hereditary spastic paraplegia 15. Last evaluated: 2017-02-16. Review status: no assertion criteria provided. Collection method: clinical testing. Allele origin: unknown. Not counted in ClinVar's aggregate classification.

Literature cited by the submitters: PubMed 18394578 (cited by Labcorp Genetics (formerly Invitae), Labcorp); PubMed 19805727 (cited by Labcorp Genetics (formerly Invitae), Labcorp); PubMed 27544497 (cited by 3 submitters).

NM_015346.4(ZFYVE26):c.4804C>T (p.Arg1602Ter)

Gene: ZFYVE26 (zinc finger FYVE-type containing 26; minus strand). Cytogenetic location: 14q24.1.
Variant type: single nucleotide variant.
Coding change: c.4804C>T on transcript NM_015346.4 (MANE Select); coding-DNA position 4804, C replaced by T.
Protein change: p.Arg1602Ter; replaces arginine 1602 with a stop codon.
Molecular consequence: nonsense.
Genome position (GRCh38, 1-based): chr14:67,777,729, G>A on the plus strand (C>T on the coding strand, the complement: ZFYVE26 is on the minus strand). VCF-style: chr14-67777729-G-A. GRCh37 (hg19) VCF-style: chr14-68244446-G-A.
Other names: short protein forms R1602*.
Identifiers: ClinVar variation 550774 (VCV000550774.12), dbSNP rs558285072, ClinGen allele CA7239659.